The following is an entry in ClinVar:

NM_000492.4(CFTR):c.220C>T (p.Arg74Trp)

Gene: CFTR (CF transmembrane conductance regulator; plus strand). Cytogenetic location: 7q31.2.
Variant type: single nucleotide variant.
Coding change: c.220C>T on transcript NM_000492.4 (MANE Select); coding-DNA position 220, C replaced by T.
Protein change: p.Arg74Trp; replaces arginine 74 with tryptophan.
Molecular consequence: missense variant.
Genome position (GRCh38, 1-based): chr7:117,509,089, C>T. VCF-style: chr7-117509089-C-T. GRCh37 (hg19) VCF-style: chr7-117149143-C-T.
Other names: short protein forms R74W.
Identifiers: ClinVar variation 196277 (VCV000196277.122), dbSNP rs115545701, ClinGen allele CA275167.
Genomic context (GRCh38, chr7:117,509,089, plus strand): 5'-TGCAGAGAATGGGATAGAGAGCTGGCTTCAAAGAAAAATCCTAAACTCATTAATGCCCTT[C>T]GGCGATGTTTTTTCTGGAGATTTATGTTCTATGGAATCTTTTTATATTTAGGGGTAAGGA-3'
Protein context (NP_000483.3, residues 64-84): KKNPKLINAL[Arg74Trp]RCFFWRFMFY

ClinVar aggregate classification (germline): drug response. Review status: reviewed by expert panel (3 of 4 stars). 25 submissions from 25 submitters: drug response (1). 24 of the submissions do not count toward it. Last evaluated 2021-03-24.

Conditions:
CFTR-related disorder (CFTR-RD). Also called: CFTR-related disorders; CFTR-related condition. Identifiers: MedGen C5924204, MONDO:7770004.
Fetal anomalies with a likely genetic cause.
Bronchiectasis with or without elevated sweat chloride 1 (BESC1). Also called: Cystic Fibrosis-Like Syndrome. Identifiers: Orphanet 60033, MedGen C2749757, MONDO:0008887, OMIM 211400.
Cystic fibrosis (CF). Also called: MUCOVISCIDOSIS. Identifiers: Orphanet 586, MedGen C0010674, MONDO:0009061, OMIM 219700. Disease mechanism: loss of function.
Congenital bilateral aplasia of vas deferens from CFTR mutation (CBAVD). Identifiers: Orphanet 48, MedGen C0403814, MONDO:0010178, OMIM 277180. Disease mechanism: loss of function.
Hereditary pancreatitis (PCTT). Also called: Hereditary chronic pancreatitis; PRSS1-Related Hereditary Pancreatitis. Identifiers: Orphanet 676, MedGen C0238339, MONDO:0008185, OMIM 167800.
ivacaftor response - Efficacy. Identifiers: MedGen CN322735.

Allele frequency attached by ClinVar (database versions not stated): gnomAD exomes 0.00055 and 0.00149; ExAC 0.00172; gnomAD 0.00350; ESP Exome Variant Server 0.00423; 1000 Genomes Project 0.00539; TOPMed 0.00548; 1000 Genomes Project 30x 0.00562.
gnomAD v4.1: 1,498 of 1,612,848 alleles (0.093%); highest among the groups gnomAD compares: African/African-American, 1.3%; 10 homozygotes.

Submissions 1 to 10 of 25:

ClinPGx
Classification: drug response for ivacaftor response - Efficacy. Last evaluated: 2021-03-24. Review status: reviewed by expert panel. Criteria: Pharmacogenomics knowledge for personalized medicine. Collection method: curation. Allele origin: germline. Affected: yes.
Comment: PharmGKB Level of Evidence 1A: Level 1A clinical annotations describe variant-drug combinations that have variant-specific prescribing guidance available in a current clinical guideline annotation or an FDA-approved drug label annotation. Annotations of drug labels or clinical guidelines must give prescribing guidance for specific variants (e.g. CYP2C9*3, HLA-B*57:01) or provide mapping from defined allele functions to diplotypes and phenotypes to be used as supporting evidence for a level 1A clinical annotation. Level 1A clinical annotations must also be supported by at least one publication in addition to a clinical guideline or drug label with variant-specific prescribing guidance.

Drug is not necessarily used to treat response condition

CeGaT Center for Human Genetics Tuebingen
Classification: Uncertain significance. Last evaluated: 2026-06-01. Review status: criteria provided, single submitter. Criteria: CeGaT Center For Human Genetics Tuebingen Variant Classification Criteria Version 2. Collection method: clinical testing. Allele origin: germline. Affected: yes. Observed: 3 variant alleles. Not counted in ClinVar's aggregate classification.
Comment: CFTR: PM2, PS3:Supporting

Genetics Laboratory, Great Ormond Street Hospital NHS Foundation Trust, North Thames Genomic Laboratory Hub
Classification: Likely pathogenic for Fetal anomalies with a likely genetic cause. Last evaluated: 2026-02-16. Review status: criteria provided, single submitter. Criteria: ACGS Best Practice Guidelines for Variant Classification in Rare Disease 2024 v1.2. Collection method: clinical testing. Allele origin: germline. Affected: yes. Not counted in ClinVar's aggregate classification.
Comment: PS4_moderate, PM2_moderate, PS3_supporting, PM3_moderate

Dasa
Classification: Uncertain significance. Last evaluated: 2026-02-05. Review status: criteria provided, single submitter. Criteria: DASA Assertion Criteria. Collection method: clinical testing. Allele origin: germline. Not counted in ClinVar's aggregate classification.
Comment: NM_000492.4(CFTR):c.220C>T (p.Arg74Trp) is a missense variant that results in the substitution of arginine with tryptophan. This variant has been reported in individuals with related phenotype (PMID: 7691344). The variant is present at low frequency in population datasets. Based on the available data, this variant is classified as variant of uncertain significance.

Labcorp Genetics (formerly Invitae), Labcorp
Classification: Benign for Cystic fibrosis. Last evaluated: 2026-02-04. Review status: criteria provided, single submitter. Criteria: Invitae Variant Classification Sherloc (09022015). Collection method: clinical testing. Allele origin: germline. Not counted in ClinVar's aggregate classification.

Quest Diagnostics Nichols Institute San Juan Capistrano
Classification: Uncertain significance. Last evaluated: 2025-09-24. Review status: criteria provided, single submitter. Criteria: Quest Diagnostics criteria. Collection method: clinical testing. Allele origin: unknown. Not counted in ClinVar's aggregate classification.
Comment: The CFTR c.[220C>T;601G>A;3808G>A] (p.[Arg74Trp;Val201Met;Asp1270Asn]) complex allele is associated with a variable CF-related phenotype depending on the overall genotype. Individuals who carry this variant in combination with a CF-causing pathogenic variant on the opposite chromosome, such as F508del, have been reported in a number of cases with mild or atypical cystic fibrosis (PMIDs: 37431359 (2023), 36982273 (2023), 33020115 (2020), 32687833 (2020), 28546993 (2017)), though penetrance has also been reported as incomplete in these genotypes (PMID: 18703181 (2008)). Individuals homozygous for the c.[220C>T;601G>A;3808G>A] allele, or compound heterozygous with missense variants such as p.Cys866Arg, p.Arg1066Cys, or p.Met952Ile, have presented with congenital absence of the vas deferens (PMIDs: 21520337 (2011), 15287992 (2004)). Functional data for this complex allele in immortalized cell lines and in patient cells are consistent with a severe reduction in function (PMIDs: 36552859 (2022), 27738188 (2017)). Therefore, this complex allele is classified as likely pathogenic with reduced penetrance, associated with atypical CF or CFTR-related disorders.

Ambry Genetics
Classification: Uncertain significance for Cystic fibrosis. Last evaluated: 2025-01-23. Review status: criteria provided, single submitter. Criteria: Ambry Variant Classification Scheme 2023. Collection method: clinical testing. Allele origin: germline. Not counted in ClinVar's aggregate classification.
Comment: The p.R74W variant (also known as c.220C>T), located in coding exon 3 of the CFTR gene, results from a C to T substitution at nucleotide position 220. The arginine at codon 74 is replaced by tryptophan, an amino acid with dissimilar properties. This variant was initially reported in isolation in a patient with cystic fibrosis (Claustres M et al. Hum Mol Genet, 1993 Aug;2:1209-13). However, it is often described as part of complex alleles: p.[R74W;D1270N], p.[R74W;R1070W;D1270N], and p.[R74W;V201M;D1270N] (Claustres M et al. BMC Med Genet, 2004 Aug;5:19; de Prada Merino A et al. J Cyst Fibros, 2010 Dec;9:447-9; Terlizzi V et al. J Med Genet, 2017 Apr;54:224-235). p.[R74W;D1270N] has been detected in healthy individuals who had a pathogenic CFTR variant in trans (Claustres M et al. BMC Med Genet.2004;5:19; Terlizzi V et al. J Med Genet, 2017 Apr;54:224-235). p.[R74W;V201M;D1270N] has been identified in the homozygous state and in trans with a pathogenic CFTR mutation in multiple individuals with cystic fibrosis and CFTR-related disorders (Claustres M et al. BMC Med Genet, 2004 Aug;5:19; Steiner B et al. Hum Mutat, 2011 Aug;32:912-20; Lucarelli M et al. Mol Med, 2015 Apr;21:257-75; Terlizzi V et al. J Med Genet, 2017 Apr;54:224-235). Functional studies demonstrated that this variant on its own reduces CFTR activity, but the presence of the other variants (p.V201M and p.D1270N) in cis results in further reduction (Sosnay PR et al. Nat Genet, 2013 Oct;45:1160-7; Van Goor F et al. J Cyst Fibros, 2014 Jan;13:29-36; Bihler H et al. J Cyst Fibros, 2024 Jul;23:664-675). This amino acid position is well conserved in available vertebrate species. In addition, the in silico prediction for this alteration is inconclusive. Based on the available evidence, the clinical significance of this variant remains unclear.

Genomic Medicine Center of Excellence, King Faisal Specialist Hospital and Research Centre
Classification: Benign for Cystic fibrosis. Last evaluated: 2024-03-25. Review status: criteria provided, single submitter. Criteria: ACMG Guidelines, 2015. Collection method: clinical testing. Allele origin: germline. Not counted in ClinVar's aggregate classification.

Laboratory of Medical Genetics, National & Kapodistrian University of Athens
Classification: Pathogenic for Cystic fibrosis. Last evaluated: 2024-02-01. Review status: criteria provided, single submitter. Criteria: ACMG Guidelines, 2015. Collection method: curation. Allele origin: germline. Affected: no. Not counted in ClinVar's aggregate classification.

Fulgent Genetics
Classification: Likely pathogenic for Hereditary pancreatitis; Bronchiectasis with or without elevated sweat chloride 1; Cystic fibrosis; Congenital bilateral aplasia of vas deferens from CFTR mutation. Last evaluated: 2024-01-29. Review status: criteria provided, single submitter. Criteria: ACMG Guidelines, 2015. Collection method: clinical testing. Allele origin: germline. Not counted in ClinVar's aggregate classification.